The following is an entry in ClinVar:

NM_007294.4(BRCA1):c.3834G>C (p.Lys1278Asn)

Genes: BRCA1 (BRCA1 DNA repair associated; minus strand), LOC126862571 (BRD4-independent group 4 enhancer GRCh37_chr17:41243136-41244335; plus strand). Cytogenetic location: 17q21.31.
Variant type: single nucleotide variant.
Coding change: c.3834G>C on transcript NM_007294.4 (MANE Select); coding-DNA position 3834, G replaced by C.
Protein change: p.Lys1278Asn; replaces lysine 1278 with asparagine.
Molecular consequence: missense variant. On other transcripts: intron variant (135).
Genome position (GRCh38, 1-based): chr17:43,091,697, C>G on the plus strand (G>C on the coding strand, the complement: BRCA1 is on the minus strand). VCF-style: chr17-43091697-C-G. GRCh37 (hg19) VCF-style: chr17-41243714-C-G.
Other names: c.671-665G>C (NM_001408418.1, NM_001408423.1, NM_001408420.1 and 2 more transcripts); c.788-665G>C (NM_001407981.1, NM_007298.4, NM_001407978.1 and 17 more transcripts); c.644-665G>C (NM_001408462.1, NM_001408470.1, NM_001408464.1 and 3 more transcripts); c.710-665G>C (NM_001408414.1, NM_001408411.1, NM_001408415.1 and 2 more transcripts); c.578-665G>C (NM_001408514.1, NM_001408485.1, NM_001408483.1 and 9 more transcripts); c.662-665G>C (NM_001408447.1, NM_001408433.1, NM_001408446.1 and 6 more transcripts); c.785-665G>C (NM_001408400.1, NM_001408392.1, NM_001407986.1 and 13 more transcripts); c.665-665G>C (NM_001408441.1, NM_001408437.1, NM_001408429.1 and 12 more transcripts); and 41 more; short protein forms K1110N, K1150N, K1151N, K1166N, K1167N, K1189N, K1190N, K1207N.
Identifiers: ClinVar variation 2672697 (VCV002672697.23), dbSNP rs876660942, ClinGen allele CA10594298.

ClinVar aggregate classification (germline): Uncertain significance (1 of 4 stars; one submission).

gnomAD v4.1: 1 of 1,614,178 alleles (0.000062%); highest among the groups gnomAD compares: South Asian, 0.0011%; no homozygotes.

Submission:

CeGaT Center for Human Genetics Tuebingen
Classification: Uncertain significance. Last evaluated: 2023-11-01. Review status: criteria provided, single submitter. Criteria: CeGaT Center For Human Genetics Tuebingen Variant Classification Criteria Version 2. Collection method: clinical testing. Allele origin: germline. Affected: yes. Observed: 1 variant allele.
Comment: BRCA1: PM2, BP1, BP4